The following is an entry in ClinVar:

NM_001378457.1(DMXL2):c.5691C>A (p.Cys1897Ter)

Gene: DMXL2 (Dmx like 2; minus strand). Cytogenetic location: 15q21.2.
Variant type: single nucleotide variant.
Coding change: c.5691C>A on transcript NM_001378457.1 (MANE Select); coding-DNA position 5691, C replaced by A.
Protein change: p.Cys1897Ter; replaces cysteine 1897 with a stop codon.
Molecular consequence: nonsense. On other transcripts: non-coding transcript variant (2).
Genome position (GRCh38, 1-based): chr15:51,481,415, G>T on the plus strand (C>A on the coding strand, the complement: DMXL2 is on the minus strand). VCF-style: chr15-51481415-G-T. GRCh37 (hg19) VCF-style: chr15-51773612-G-T.
Other names: c.5691C>A, p.Cys1897Ter (NM_001174116.3, NM_001378458.1, NM_001378459.1 and 4 more transcripts); c.3783C>A, p.Cys1261Ter (NM_001174117.3); c.3672C>A, p.Cys1224Ter (NM_001378460.1); c.5451C>A, p.Cys1817Ter (NM_001378464.1); short protein forms C1224*, C1897*, C1817*, C1261*.
Identifiers: ClinVar variation 4714221 (VCV004714221.1).

ClinVar aggregate classification (germline): Pathogenic (1 of 4 stars; one submission).

gnomAD v4.1: 1 of 1,611,770 alleles (0.000062%); highest among the groups gnomAD compares: Non-Finnish European, 0.000085%; no homozygotes.

Submission:

Labcorp Genetics (formerly Invitae), Labcorp
Classification: Pathogenic. Last evaluated: 2025-03-22. Review status: criteria provided, single submitter. Criteria: Invitae Variant Classification Sherloc (09022015). Collection method: clinical testing. Allele origin: germline.
Comment: This sequence change creates a premature translational stop signal (p.Cys1897*) in the DMXL2 gene. It is expected to result in an absent or disrupted protein product. Loss-of-function variants in DMXL2 are known to be pathogenic (PMID: 30237576, 31688942). This variant is not present in population databases (gnomAD no frequency). This variant has not been reported in the literature in individuals affected with DMXL2-related conditions. For these reasons, this variant has been classified as Pathogenic.

Literature cited by the submitters: PubMed 30237576; PubMed 31688942.